The following is an entry in ClinVar:

ClinVar aggregate classification (germline): Uncertain significance. Review status: criteria provided, multiple submitters, no conflicts (2 of 4 stars). 2 submissions from 2 submitters: Uncertain significance (2). Last evaluated 2025-04-12.

Conditions:
Neutropenia, severe congenital, 2, autosomal dominant. Identifiers: Orphanet 486, MedGen C2751288, MONDO:0013139, OMIM 613107.

gnomAD v4.1: 8 of 1,610,116 alleles (0.0005%); highest among the groups gnomAD compares: Admixed American, 0.0067%; no homozygotes.

Submissions (2):

Ambry Genetics
Classification: Uncertain significance. Last evaluated: 2025-04-12. Review status: criteria provided, single submitter. Criteria: Ambry Variant Classification Scheme 2023. Collection method: clinical testing. Allele origin: germline.
Comment: The p.S56F variant (also known as c.167C>T), located in coding exon 2 of the GFI1 gene, results from a C to T substitution at nucleotide position 167. The serine at codon 56 is replaced by phenylalanine, an amino acid with highly dissimilar properties. This amino acid position is conserved. In addition, this alteration is predicted to be tolerated by in silico analysis. Based on the available evidence, the clinical significance of this variant remains unclear.

Labcorp Genetics (formerly Invitae), Labcorp
Classification: Uncertain significance for Neutropenia, severe congenital, 2, autosomal dominant. Last evaluated: 2024-11-19. Review status: criteria provided, single submitter. Criteria: Invitae Variant Classification Sherloc (09022015). Collection method: clinical testing. Allele origin: germline.
Comment: This sequence change replaces serine, which is neutral and polar, with phenylalanine, which is neutral and non-polar, at codon 56 of the GFI1 protein (p.Ser56Phe). This variant is present in population databases (no rsID available, gnomAD 0.009%). This variant has not been reported in the literature in individuals affected with GFI1-related conditions. Invitae Evidence Modeling of protein sequence and biophysical properties (such as structural, functional, and spatial information, amino acid conservation, physicochemical variation, residue mobility, and thermodynamic stability) indicates that this missense variant is not expected to disrupt GFI1 protein function with a negative predictive value of 80%. In summary, the available evidence is currently insufficient to determine the role of this variant in disease. Therefore, it has been classified as a Variant of Uncertain Significance.

NM_005263.5(GFI1):c.167C>T (p.Ser56Phe)

Gene: GFI1 (growth factor independent 1 transcriptional repressor; minus strand). Cytogenetic location: 1p22.1.
Variant type: single nucleotide variant.
Coding change: c.167C>T on transcript NM_005263.5 (MANE Select); coding-DNA position 167, C replaced by T.
Protein change: p.Ser56Phe; replaces serine 56 with phenylalanine.
Molecular consequence: missense variant.
Genome position (GRCh38, 1-based): chr1:92,482,995, G>A on the plus strand (C>T on the coding strand, the complement: GFI1 is on the minus strand). VCF-style: chr1-92482995-G-A. GRCh37 (hg19) VCF-style: chr1-92948552-G-A.
Other names: c.167C>T, p.Ser56Phe (NM_001127215.3, NM_001127216.3); short protein forms S56F.
Identifiers: ClinVar variation 3669565 (VCV003669565.3).
Genomic context (GRCh38, chr1:92,482,995, plus strand): 5'-TCGCAGCTGTCTGGGGATGCGGAGGCTCTGTCTGGGGCTTCGGTCAGCTGCGATTCGGGG[G>A]ACAAACGGTCCCGGGGCTCCGCCTTCGCCCCGCCTGCATTTGAAGTGCTGTCTGCAAAGA-3'
Protein context (NP_005254.2, residues 46-66): GAKAEPRDRL[Ser56Phe]PESQLTEAPD